The following is an entry in ClinVar:

ClinVar aggregate classification (germline): Likely benign (1 of 4 stars; one submission).

Submission:

CeGaT Center for Human Genetics Tuebingen
Classification: Likely benign. Last evaluated: 2026-04-01. Review status: criteria provided, single submitter. Criteria: CeGaT Center For Human Genetics Tuebingen Variant Classification Criteria Version 2. Collection method: clinical testing. Allele origin: germline. Affected: yes. Observed: 6 variant alleles.
Comment: KCNQ1OT1: BS2

NM_000218.3(KCNQ1):c.1394-8491_1394-8467del

Genes: KCNQ1 (potassium voltage-gated channel subfamily Q member 1; plus strand), KCNQ1OT1 (KCNQ1 opposite strand/antisense transcript 1; minus strand). Cytogenetic location: 11p15.5.
Variant type: Deletion.
Coding change: c.1394-8491_1394-8467del on transcript NM_000218.3 (MANE Select); 8491 bases into the intron before coding-DNA position 1394 through 8467 bases into the intron before coding-DNA position 1394, 25 bases deleted (AGCTGTTTCAGACACAGCTGGACCC).
Molecular consequence: intron variant. On other transcripts: non-coding transcript variant (1).
Genome position (GRCh38, 1-based): chr11:2,653,470-2,653,494, AGCTGTTTCAGACACAGCTGGACCC deleted; deleting any 25 consecutive bases within chr11:2,653,456-2,653,494 gives the same sequence; the c. name uses the placement nearest the transcript's 3' end. VCF-style (leftmost placement, unchanged base first): chr11-2653455-CACACAGCTGGACCCAGCTGTTTCAG-C. GRCh37 (hg19) VCF-style: chr11-2674685-CACACAGCTGGACCCAGCTGTTTCAG-C.
Other names: c.1124-8491_1124-8467del (NM_001406837.1); c.1298-8491_1298-8467del (NM_001406836.1); c.854-8491_854-8467del (NM_001406838.1); c.1013-8491_1013-8467del (NM_181798.2).
Identifiers: ClinVar variation 3389379 (VCV003389379.14).
Genomic context (GRCh38, chr11:2,653,455, plus strand): 5'-TAACAAATGATGGAACCCCAACTCAAACAAGCTTAAGCACAAAAGGGACATTTTTTGGCT[CACACAGCTGGACCCAGCTGTTTCAG>C]ACACAGCTGGACCCCAGAGCTGAGATGATCTTGCTCACTTGCTCTCACTCTCCCCTCTTG-3'